The following is an entry in ClinVar:

NM_000088.4(COL1A1):c.4067G>A (p.Arg1356His)

Gene: COL1A1 (collagen type I alpha 1 chain; minus strand). Cytogenetic location: 17q21.33.
Variant type: single nucleotide variant.
Coding change: c.4067G>A on transcript NM_000088.4 (MANE Select); coding-DNA position 4067, G replaced by A.
Protein change: p.Arg1356His; replaces arginine 1356 with histidine.
Molecular consequence: missense variant.
Genome position (GRCh38, 1-based): chr17:50,185,959, C>T on the plus strand (G>A on the coding strand, the complement: COL1A1 is on the minus strand). VCF-style: chr17-50185959-C-T. GRCh37 (hg19) VCF-style: chr17-48263320-C-T.
Other names: short protein forms R1356H.
Identifiers: ClinVar variation 949148 (VCV000949148.18), dbSNP rs149820303, ClinGen allele CA291542803.

ClinVar aggregate classification (germline): Uncertain significance. Review status: criteria provided, multiple submitters, no conflicts (2 of 4 stars). 5 submissions from 5 submitters: Uncertain significance (5). Last evaluated 2026-04-03.

Conditions:
Infantile cortical hyperostosis. Also called: Hyperostosis, Cortical, Congenital; Caffey Disease; P1PK BLOOD GROUP SYSTEM, P(2) PHENOTYPE. Identifiers: Orphanet 1310, MedGen C0020497, MONDO:0007244, OMIM 114000.
Osteogenesis imperfecta (OI). Identifiers: Orphanet 666, MedGen C0029434, MeSH D010013, MONDO:0019019.
Ehlers-Danlos syndrome, cardiac valvular type. Identifiers: Orphanet 230851, MedGen C4303789, MONDO:0009159, OMIM 225320.
Ehlers-Danlos syndrome, arthrochalasia type. Also called: Ehlers-Danlos syndrome, arthrochalasia type, 1; ARTHROCHALASIS MULTIPLEX CONGENITA; EDS VII, MUTANT PROCOLLAGEN TYPE; EDS VIIA; Ehlers-Danlos syndrome, arthrochalasis type. Identifiers: Orphanet 1899, Orphanet 99875, Orphanet 99876, MedGen C4551623, MONDO:0007525, OMIM 130060.
Cardiovascular phenotype. Identifiers: MedGen CN230736.
Osteogenesis imperfecta type I (OI1). Also called: OI, TYPE I; OSTEOGENESIS IMPERFECTA TARDA; OSTEOGENESIS IMPERFECTA WITH BLUE SCLERAE; Osteogenesis imperfecta type 1; Lobstein's Disease; Lobstein disease. Identifiers: Orphanet 216796, Orphanet 666, MedGen C0023931, MONDO:0008146, OMIM 166200. Disease mechanism: loss of function.
COL1A1-related disorder. Also called: COL1A1-related condition; COL1A1- related disease.

Allele frequency attached by ClinVar (database versions not stated): gnomAD exomes 0.00002; TOPMed 0.00002; gnomAD 0.00004; ESP Exome Variant Server 0.00008.
gnomAD v4.1: 35 of 1,613,766 alleles (0.0022%); highest among the groups gnomAD compares: Non-Finnish European, 0.0015%; no homozygotes.

Submissions (5):

PreventionGenetics, part of Exact Sciences
Classification: Uncertain significance for COL1A1-related condition. Last evaluated: 2026-04-03. Review status: criteria provided, single submitter. Criteria: ACMG Guidelines, 2015. Collection method: clinical testing. Allele origin: germline.
Comment: The COL1A1 c.4067G>A variant is predicted to result in the amino acid substitution p.Arg1356His. To our knowledge, this variant has not been reported in the literature. This variant is reported in 0.020% of alleles in individuals of European (Finnish) descent in gnomAD. At this time, the clinical significance of this variant is uncertain due to the absence of conclusive functional and genetic evidence.

Labcorp Genetics (formerly Invitae), Labcorp
Classification: Uncertain significance for Osteogenesis imperfecta type I. Last evaluated: 2025-12-01. Review status: criteria provided, single submitter. Criteria: Invitae Variant Classification Sherloc (09022015). Collection method: clinical testing. Allele origin: germline.
Comment: This sequence change replaces arginine, which is basic and polar, with histidine, which is basic and polar, at codon 1356 of the COL1A1 protein (p.Arg1356His). This variant is present in population databases (rs149820303, gnomAD 0.02%). This missense change has been observed in individual(s) with osteogenesis imperfecta (PMID: 16786509). ClinVar contains an entry for this variant (Variation ID: 949148). Invitae Evidence Modeling of protein sequence and biophysical properties (such as structural, functional, and spatial information, amino acid conservation, physicochemical variation, residue mobility, and thermodynamic stability) has been performed for this missense variant. However, the output from this modeling did not meet the statistical confidence thresholds required to predict the impact of this variant on COL1A1 protein function. In summary, the available evidence is currently insufficient to determine the role of this variant in disease. Therefore, it has been classified as a Variant of Uncertain Significance.

Ambry Genetics
Classification: Uncertain significance for Cardiovascular phenotype. Last evaluated: 2025-05-21. Review status: criteria provided, single submitter. Criteria: Ambry Variant Classification Scheme 2023. Collection method: clinical testing. Allele origin: germline.
Comment: The p.R1356H variant (also known as c.4067G>A), located in coding exon 50 of the COL1A1 gene, results from a G to A substitution at nucleotide position 4067. The arginine at codon 1356 is replaced by histidine, an amino acid with highly similar properties. This amino acid position is highly conserved in available vertebrate species. In addition, this alteration is predicted to be deleterious by in silico analysis. Based on the available evidence, the clinical significance of this variant remains unclear.

Blueprint Genetics
Classification: Uncertain significance. Last evaluated: 2023-10-24. Review status: criteria provided, single submitter. Criteria: ACMG Guidelines, 2015. Collection method: clinical testing. Allele origin: germline.

GeneDx
Classification: Uncertain significance. Last evaluated: 2022-03-18. Review status: criteria provided, single submitter. Criteria: GeneDx Variant Classification Process June 2021. Collection method: clinical testing. Allele origin: germline. Affected: yes.
Comment: Reported in a patient with type II/III osteogenesis imperfecta who also harbored an additional variant (Pollitt et al., 2006); In silico analysis supports that this missense variant has a deleterious effect on protein structure/function; Not located in the triple helical region, where the majority of pathogenic missense variants occur (HGMD); This variant is associated with the following publications: (PMID: 16786509)

Literature cited by the submitters: PubMed 16786509 (cited by Labcorp Genetics (formerly Invitae), Labcorp).